The following is an entry in ClinVar:

NM_001303052.2(MYT1L):c.590A>G (p.Tyr197Cys)

Gene: MYT1L (myelin transcription factor 1 like; minus strand). Cytogenetic location: 2p25.3.
Variant type: single nucleotide variant.
Coding change: c.590A>G on transcript NM_001303052.2 (MANE Select); coding-DNA position 590, A replaced by G.
Protein change: p.Tyr197Cys; replaces tyrosine 197 with cysteine.
Molecular consequence: missense variant.
Genome position (GRCh38, 1-based): chr2:1,923,179, T>C on the plus strand (A>G on the coding strand, the complement: MYT1L is on the minus strand). VCF-style: chr2-1923179-T-C. GRCh37 (hg19) VCF-style: chr2-1926951-T-C.
Other names: c.590A>G, p.Tyr197Cys (NM_001329844.2, NM_001329845.1, NM_001329846.3 and 6 more transcripts); short protein forms Y197C.
Identifiers: ClinVar variation 2637379 (VCV002637379.2), dbSNP rs2550919676, ClinGen allele CA345707599.

ClinVar aggregate classification (germline): Uncertain significance (0 of 4 stars; one submission).

Conditions:
MYT1L-related disorder. Also called: MYT1L-related condition.

Submission:

PreventionGenetics, part of Exact Sciences
Classification: Uncertain significance for MYT1L-related condition. Last evaluated: 2024-09-25. Review status: no assertion criteria provided. Collection method: clinical testing. Allele origin: germline.
Comment: The MYT1L c.590A>G variant is predicted to result in the amino acid substitution p.Tyr197Cys. To our knowledge, this variant has not been reported in the literature or in a large population database, indicating this variant is rare. At this time, the clinical significance of this variant is uncertain due to the absence of conclusive functional and genetic evidence.